The following is an entry in ClinVar:

NM_001369.3(DNAH5):c.6307T>C (p.Ser2103Pro)

Gene: DNAH5 (dynein axonemal heavy chain 5; minus strand). Cytogenetic location: 5p15.2.
Variant type: single nucleotide variant.
Coding change: c.6307T>C on transcript NM_001369.3 (MANE Select); coding-DNA position 6307, T replaced by C.
Protein change: p.Ser2103Pro; replaces serine 2103 with proline.
Molecular consequence: missense variant.
Genome position (GRCh38, 1-based): chr5:13,829,647, A>G on the plus strand (T>C on the coding strand, the complement: DNAH5 is on the minus strand). VCF-style: chr5-13829647-A-G. GRCh37 (hg19) VCF-style: chr5-13829756-A-G.
Other names: short protein forms S2103P.
Identifiers: ClinVar variation 2907069 (VCV002907069.4), dbSNP rs777013412, ClinGen allele CA3203431.
Genomic context (GRCh38, chr5:13,829,647, plus strand): 5'-CACAACTAGCCAACTTCACCCTTATGATAATCTGACGGTCAGGCACCATCATGGCCACTG[A>G]GCGGAAATTAATCTTCAAGTTTTCAGGGAGTTCCTGCCGTCCGGCATAGCCAGGATTCTA-3'
Protein context (NP_001360.1, residues 2093-2113): LPENLKINFR[Ser2103Pro]VAMMVPDRQI

ClinVar aggregate classification (germline): Conflicting classifications of pathogenicity. Review status: criteria provided, conflicting classifications (1 of 4 stars). 2 submissions from 2 submitters: Uncertain significance (1); Likely benign (1). Last evaluated 2023-11-28.

Conditions:
Primary ciliary dyskinesia. Also called: Ciliary dyskinesia. Identifiers: Orphanet 244, MedGen C0008780, MONDO:0016575, HP:0012265.
Primary ciliary dyskinesia 3. Identifiers: Orphanet 244, MedGen C1837618, MONDO:0012085, OMIM 608644.

Allele frequency attached by ClinVar (database versions not stated): ExAC 0.00002.
gnomAD v4.1: 7 of 1,614,216 alleles (0.00043%); highest among the groups gnomAD compares: South Asian, 0.0044%; no homozygotes.

Submissions (2):

Labcorp Genetics (formerly Invitae), Labcorp
Classification: Likely benign for Primary ciliary dyskinesia. Last evaluated: 2023-11-28. Review status: criteria provided, single submitter. Criteria: Invitae Variant Classification Sherloc (09022015). Collection method: clinical testing. Allele origin: germline.

Neuberg Centre For Genomic Medicine, NCGM
Classification: Uncertain significance for Primary ciliary dyskinesia 3. Review status: criteria provided, single submitter. Criteria: ACMG Guidelines, 2015. Collection method: clinical testing. Allele origin: germline. Inheritance: Autosomal recessive inheritance. Affected: yes.
Comment: The observed missense variant c.6307T>C(p.Ser2103Pro) in DNAH5 gene has not been reported previously as a pathogenic variant nor as a benign variant, to our knowledge. The c.6307T>C variant has 0.001% allele frequency in gnomAD Exomes. The amino acid Serine at position 2103 is changed to a Proline changing protein sequence and it might alter its composition and physico-chemical properties. The variant is predicted to be damaging by SIFT.The amino acid change p.Ser2103Pro in DNAH5 is predicted as conserved by GERP++ and PhyloP across 100 vertebrates. For these reasons, this variant has been classified as Uncertain Significance.